The following is an entry in ClinVar:

NM_201384.3(PLEC):c.12736C>G (p.Arg4246Gly)

Gene: PLEC (plectin; minus strand). Cytogenetic location: 8q24.3.
Variant type: single nucleotide variant.
Coding change: c.12736C>G on transcript NM_201384.3 (MANE Select); coding-DNA position 12736, C replaced by G.
Protein change: p.Arg4246Gly; replaces arginine 4246 with glycine.
Molecular consequence: missense variant.
Genome position (GRCh38, 1-based): chr8:143,917,085, G>C on the plus strand (C>G on the coding strand, the complement: PLEC is on the minus strand). VCF-style: chr8-143917085-G-C. GRCh37 (hg19) VCF-style: chr8-144991253-G-C.
Other names: c.12817C>G, p.Arg4273Gly (NM_000445.5); c.9436C>G, p.Arg3146Gly (NM_001410941.1); c.12694C>G, p.Arg4232Gly (NM_201378.4); c.12670C>G, p.Arg4224Gly (NM_201379.3); c.13147C>G, p.Arg4383Gly (NM_201380.4); c.12640C>G, p.Arg4214Gly (NM_201381.3); c.12736C>G, p.Arg4246Gly (NM_201382.4); c.12748C>G, p.Arg4250Gly (NM_201383.3); short protein forms R4246G, R3146G, R4214G, R4232G, R4250G, R4273G, R4224G, R4383G.
Identifiers: ClinVar variation 2947784 (VCV002947784.3), dbSNP rs782080936, ClinGen allele CA372479227.
Genomic context (GRCh38, chr8:143,917,085, plus strand): 5'-GGGTCCTGGAGACGGCGGGGCTGATGGGGTAGGAGGAGGAGGATCCCACCGAGGAGGAAC[G>C]GGAGCGGAAACCACCGGCGTTGCCCGAGAGCATGTCGGCGAACTCGGTGATGGAGAGCGT-3'
Protein context (NP_958786.1, residues 4236-4256): LSGNAGGFRS[Arg4246Gly]SSSVGSSSSY

ClinVar aggregate classification (germline): Uncertain significance (1 of 4 stars; one submission).

Conditions:
Epidermolysis bullosa simplex with nail dystrophy (EBS5D). Identifiers: MedGen C4225309, MONDO:0014661, OMIM 616487.
Epidermolysis bullosa simplex, Ogna type (EBS5A). Also called: Pidermolysis bullosa simplex 5A, Ogna type; EPIDERMOLYSIS BULLOSA SIMPLEX 5A, OGNA TYPE. Identifiers: Orphanet 79401, MedGen C0432317, MONDO:0007555, OMIM 131950.
Autosomal recessive limb-girdle muscular dystrophy type 2Q (LGMDR17). Also called: MUSCULAR DYSTROPHY, LIMB-GIRDLE, AUTOSOMAL RECESSIVE 17. Identifiers: Orphanet 254361, MedGen C3150989, MONDO:0013390, OMIM 613723.
Epidermolysis bullosa simplex 5B, with muscular dystrophy (EBS5B). Also called: EPIDERMOLYSIS BULLOSA SIMPLEX AND LIMB-GIRDLE MUSCULAR DYSTROPHY; Epidermolysis bullosa simplex with muscular dystrophy. Identifiers: Orphanet 257, MedGen C2931072, MONDO:0009181, OMIM 226670.
Epidermolysis bullosa simplex 5C, with pyloric atresia (EBS5C). Also called: PLEC-Related Epidermolysis Bullosa with Pyloric Atresia; Epidermolysis bullosa simplex with pyloric atresia; PLEC1-Related Epidermolysis Bullosa with Pyloric Atresia. Identifiers: Orphanet 158684, MedGen C2677349, MONDO:0012807, OMIM 612138.

Submission:

Labcorp Genetics (formerly Invitae), Labcorp
Classification: Uncertain significance for Autosomal recessive limb-girdle muscular dystrophy type 2Q; Epidermolysis bullosa simplex, Ogna type; Epidermolysis bullosa simplex with nail dystrophy; Epidermolysis bullosa simplex 5C, with pyloric atresia; Epidermolysis bullosa simplex 5B, with muscular dystrophy. Last evaluated: 2023-09-17. Review status: criteria provided, single submitter. Criteria: Invitae Variant Classification Sherloc (09022015). Collection method: clinical testing. Allele origin: germline.
Comment: This sequence change replaces arginine, which is basic and polar, with glycine, which is neutral and non-polar, at codon 4273 of the PLEC protein (p.Arg4273Gly). This variant is not present in population databases (gnomAD no frequency). This variant has not been reported in the literature in individuals affected with PLEC-related conditions. Advanced modeling of protein sequence and biophysical properties (such as structural, functional, and spatial information, amino acid conservation, physicochemical variation, residue mobility, and thermodynamic stability) performed at Invitae indicates that this missense variant is expected to disrupt PLEC protein function. In summary, the available evidence is currently insufficient to determine the role of this variant in disease. Therefore, it has been classified as a Variant of Uncertain Significance.